The following is an entry in ClinVar:

NM_203447.4(DOCK8):c.4762C>G (p.Gln1588Glu)

Gene: DOCK8 (dedicator of cytokinesis 8; plus strand). Cytogenetic location: 9p24.3.
Variant type: single nucleotide variant.
Coding change: c.4762C>G on transcript NM_203447.4 (MANE Select); coding-DNA position 4762, C replaced by G.
Protein change: p.Gln1588Glu; replaces glutamine 1588 with glutamic acid.
Molecular consequence: missense variant.
Genome position (GRCh38, 1-based): chr9:432,301, C>G. VCF-style: chr9-432301-C-G. GRCh37 (hg19) VCF-style: chr9-432301-C-G.
Other names: c.4462C>G, p.Gln1488Glu (NM_001190458.2); c.4558C>G, p.Gln1520Glu (NM_001193536.2); short protein forms Q1488E, Q1588E, Q1520E.
Identifiers: ClinVar variation 2123363 (VCV002123363.4), dbSNP rs2537355698, ClinGen allele CA372766870.

ClinVar aggregate classification (germline): Uncertain significance (1 of 4 stars; one submission).

Conditions:
Combined immunodeficiency due to DOCK8 deficiency (HIES2). Also called: HIES autosomal recessive; DOCK8 Deficiency; Hyper-IgE recurrent infection syndrome, autosomal recessive; HYPER-IgE SYNDROME 2, AUTOSOMAL RECESSIVE, WITH RECURRENT INFECTIONS; HYPER-IgE RECURRENT INFECTION SYNDROME 2, AUTOSOMAL RECESSIVE. Identifiers: Orphanet 217390, MedGen C4722305, MONDO:0009478, OMIM 243700.

Submission:

Labcorp Genetics (formerly Invitae), Labcorp
Classification: Uncertain significance for Combined immunodeficiency due to DOCK8 deficiency. Last evaluated: 2022-04-08. Review status: criteria provided, single submitter. Criteria: Invitae Variant Classification Sherloc (09022015). Collection method: clinical testing. Allele origin: germline.
Comment: This sequence change replaces glutamine, which is neutral and polar, with glutamic acid, which is acidic and polar, at codon 1588 of the DOCK8 protein (p.Gln1588Glu). This variant is not present in population databases (gnomAD no frequency). This variant has not been reported in the literature in individuals affected with DOCK8-related conditions. Algorithms developed to predict the effect of missense changes on protein structure and function (SIFT, PolyPhen-2, Align-GVGD) all suggest that this variant is likely to be tolerated. In summary, the available evidence is currently insufficient to determine the role of this variant in disease. Therefore, it has been classified as a Variant of Uncertain Significance.